The following is an entry in ClinVar:

ClinVar aggregate classification (germline): Likely benign (1 of 4 stars; one submission).

Conditions:
Dyskeratosis congenita. Identifiers: Orphanet 1775, MedGen C0265965, MONDO:0015780.

Allele frequency attached by ClinVar (database versions not stated): TOPMed 0.00042; 1000 Genomes Project 0.00060; 1000 Genomes Project 30x 0.00062; gnomAD 0.00068 and 0.00072.

Submission:

Illumina Laboratory Services, Illumina
Classification: Likely benign for Dyskeratosis congenita. Last evaluated: 2018-01-12. Review status: criteria provided, single submitter. Criteria: ICSL Variant Classification Criteria 13 December 2019. Collection method: clinical testing. Allele origin: germline.
Comment: This variant was observed in the ICSL laboratory as part of a predisposition screen in an ostensibly healthy population. It had not been previously curated by ICSL or reported in the Human Gene Mutation Database (HGMD: prior to June 1st, 2018), and was therefore a candidate for classification through an automated scoring system. Utilizing variant allele frequency, disease prevalence and penetrance estimates, and inheritance mode, an automated score was calculated to assess if this variant is too frequent to cause the disease. Based on the score and internal cut-off values, a variant classified as likely benign is not then subjected to further curation. The score for this variant resulted in a classification of likely benign for this disease.

NM_025099.6(CTC1):c.*2115C>G

Gene: CTC1 (CST telomere replication complex component 1; minus strand). Cytogenetic location: 17p13.1.
Variant type: single nucleotide variant.
Coding change: c.*2115C>G on transcript NM_025099.6 (MANE Select); 2115 bases downstream of the stop codon, C replaced by G.
Molecular consequence: 3 prime UTR variant. On other transcripts: non-coding transcript variant (1).
Genome position (GRCh38, 1-based): chr17:8,226,065, G>C on the plus strand (C>G on the coding strand, the complement: CTC1 is on the minus strand). VCF-style: chr17-8226065-G-C. GRCh37 (hg19) VCF-style: chr17-8129383-G-C.
Identifiers: ClinVar variation 325993 (VCV000325993.5), dbSNP rs187344168, ClinGen allele CA10651334.
Genomic context (GRCh38, chr17:8,226,065, plus strand): 5'-TGGGGTGTGGCATCAGTTAAGCAAAGGACCCTTAGGCCTATGCAACATTTCTGCCCCTAA[G>C]TTAGAGAACCACCTTTTAGAGTGGCGATCTCATGGGAGTGGCAGCTTGACTCTGCAGGAA-3'